The following is an entry in ClinVar:

ClinVar aggregate classification (germline): Likely benign (0 of 4 stars; one submission).

Conditions:
PRDM13-related disorder. Also called: PRDM13-related condition.

Submission:

PreventionGenetics, part of Exact Sciences
Classification: Likely benign for PRDM13-related condition. Last evaluated: 2020-11-06. Review status: no assertion criteria provided. Collection method: clinical testing. Allele origin: germline.
Comment: This variant is classified as likely benign based on ACMG/AMP sequence variant interpretation guidelines (Richards et al. 2015 PMID: 25741868, with internal and published modifications).

NM_021620.4(PRDM13):c.903G>T (p.Ala301=)

Gene: PRDM13 (PR/SET domain 13; plus strand). Cytogenetic location: 6q16.2.
Variant type: single nucleotide variant.
Coding change: c.903G>T on transcript NM_021620.4 (MANE Select); coding-DNA position 903, G replaced by T.
Protein change: p.Ala301=; no amino-acid change (alanine 301 retained).
Molecular consequence: synonymous variant.
Genome position (GRCh38, 1-based): chr6:99,613,538, G>T. VCF-style: chr6-99613538-G-T. GRCh37 (hg19) VCF-style: chr6-100061414-G-T.
Identifiers: ClinVar variation 3037290 (VCV003037290.2), dbSNP rs1355780412, ClinGen allele CA451574917.